The following is an entry in ClinVar:

NM_015721.3(GEMIN4):c.1580A>G (p.Asn527Ser)

Gene: GEMIN4 (gem nuclear organelle associated protein 4; minus strand). Cytogenetic location: 17p13.3.
Variant type: single nucleotide variant.
Coding change: c.1580A>G on transcript NM_015721.3 (MANE Select); coding-DNA position 1580, A replaced by G.
Protein change: p.Asn527Ser; replaces asparagine 527 with serine.
Molecular consequence: missense variant.
Genome position (GRCh38, 1-based): chr17:746,463, T>C on the plus strand (A>G on the coding strand, the complement: GEMIN4 is on the minus strand). VCF-style: chr17-746463-T-C. GRCh37 (hg19) VCF-style: chr17-649703-T-C.
Other names: short protein forms N527S.
Identifiers: ClinVar variation 983113 (VCV000983113.1), dbSNP rs528143072, ClinGen allele CA8262607.

ClinVar aggregate classification (germline): Uncertain significance (1 of 4 stars; one submission).

Conditions:
Neurodevelopmental disorder with microcephaly, cataracts, and renal abnormalities. Identifiers: MedGen C4693567, MONDO:0060664, OMIM 617913.

Allele frequency attached by ClinVar (database versions not stated): ExAC 0.00003; gnomAD exomes 0.00005 and 0.00007; TOPMed 0.00005; gnomAD 0.00006 and 0.00012.
gnomAD v4.1: 109 of 1,614,004 alleles (0.0068%); highest among the groups gnomAD compares: Middle Eastern, 0.25%; 1 homozygote.

Submission:

Institute of Human Genetics, University of Leipzig Medical Center
Classification: Uncertain significance for Neurodevelopmental disorder with microcephaly, cataracts, and renal abnormalities. Last evaluated: 2019-01-01. Review status: criteria provided, single submitter. Criteria: ACMG Guidelines, 2015. Collection method: clinical testing. Allele origin: unknown. Affected: yes.
Comment: This variant was identified as compound heterozygous.